The following is an entry in ClinVar:

NM_024426.6(WT1):c.530C>A (p.Ala177Asp)

Genes: WT1 (WT1 transcription factor; minus strand), LOC107982234 (WT1/WT1-AS bi-directional promoter region; plus strand). Cytogenetic location: 11p13.
Variant type: single nucleotide variant.
Coding change: c.530C>A on transcript NM_024426.6 (MANE Select); coding-DNA position 530, C replaced by A.
Protein change: p.Ala177Asp; replaces alanine 177 with aspartic acid.
Molecular consequence: missense variant. On other transcripts: non-coding transcript variant (2).
Genome position (GRCh38, 1-based): chr11:32,434,831, G>T on the plus strand (C>A on the coding strand, the complement: WT1 is on the minus strand). VCF-style: chr11-32434831-G-T. GRCh37 (hg19) VCF-style: chr11-32456377-G-T.
Other names: c.530C>A, p.Ala177Asp (NM_000378.6, NM_001407044.1, NM_001407045.1 and 6 more transcripts); c.515C>A, p.Ala172Asp (NM_024425.2); short protein forms A172D, A177D.
Identifiers: ClinVar variation 2679631 (VCV002679631.2), dbSNP rs2133102467, ClinGen allele CA379964762.
Genomic context (GRCh38, chr11:32,434,831, plus strand): 5'-TGGCCGGATGACGCCTGGCTGGGCGGAGGAGGACCGAAGGGCCCGTAGCGACAGGCTCCG[G>T]CTGTGCCAGTGAACTGGCCGGAAAAGTGGACAGTGAAGGCGCTCAGGCACTGCTCCTCGT-3'
Protein context (NP_077744.4, residues 167-187): VHFSGQFTGT[Ala177Asp]GACRYGPFGP

ClinVar aggregate classification (germline): Uncertain significance. Review status: criteria provided, multiple submitters, no conflicts (2 of 4 stars). 2 submissions from 2 submitters: Uncertain significance (2). Last evaluated 2025-12-28.

Conditions:
Wilms tumor 1 (WT1). Also called: Wilms tumor, somatic. Identifiers: Orphanet 654, MedGen CN033288, MONDO:0008679, OMIM 194070.
Drash syndrome (DDS). Also called: NEPHROPATHY, WILMS TUMOR, AND GENITAL ANOMALIES; WILMS TUMOR AND PSEUDO- OR TRUE HERMAPHRODITISM. Identifiers: Orphanet 220, MedGen C0950121, MONDO:0008682, OMIM 194080.
11p partial monosomy syndrome (WAGR). Also called: WAGR syndrome; WAGR Complex; WAGR Spectrum Disorder; CHROMOSOME 11p13 DELETION SYNDROME. Identifiers: Orphanet 893, MedGen C0206115, MONDO:0008681, OMIM 194072.
Frasier syndrome. Identifiers: Orphanet 347, MedGen C0950122, MeSH D052159, MONDO:0007635, OMIM 136680.

Submissions (2):

Labcorp Genetics (formerly Invitae), Labcorp
Classification: Uncertain significance for Wilms tumor 1; Drash syndrome; 11p partial monosomy syndrome; Frasier syndrome. Last evaluated: 2025-12-28. Review status: criteria provided, single submitter. Criteria: Invitae Variant Classification Sherloc (09022015). Collection method: clinical testing. Allele origin: germline.
Comment: This sequence change replaces alanine, which is neutral and non-polar, with aspartic acid, which is acidic and polar, at codon 172 of the WT1 protein (p.Ala172Asp). This variant is not present in population databases (gnomAD no frequency). This variant has not been reported in the literature in individuals affected with WT1-related conditions. ClinVar contains an entry for this variant (Variation ID: 2679631). Invitae Evidence Modeling of protein sequence and biophysical properties (such as structural, functional, and spatial information, amino acid conservation, physicochemical variation, residue mobility, and thermodynamic stability) has been performed for this missense variant. However, the output from this modeling did not meet the statistical confidence thresholds required to predict the impact of this variant on WT1 protein function. In summary, the available evidence is currently insufficient to determine the role of this variant in disease. Therefore, it has been classified as a Variant of Uncertain Significance.

Baylor Genetics
Classification: Uncertain significance for Drash syndrome. Last evaluated: 2023-06-06. Review status: criteria provided, single submitter. Criteria: ACMG Guidelines, 2015. Collection method: clinical testing. Allele origin: unknown.